The following is an entry in ClinVar:

NM_000075.4(CDK4):c.447A>G (p.Thr149=)

Gene: CDK4 (cyclin dependent kinase 4; minus strand). Cytogenetic location: 12q14.1.
Variant type: single nucleotide variant.
Coding change: c.447A>G on transcript NM_000075.4 (MANE Select); coding-DNA position 447, A replaced by G.
Protein change: p.Thr149=; no amino-acid change (threonine 149 retained).
Molecular consequence: synonymous variant.
Genome position (GRCh38, 1-based): chr12:57,750,998, T>C on the plus strand (A>G on the coding strand, the complement: CDK4 is on the minus strand). VCF-style: chr12-57750998-T-C. GRCh37 (hg19) VCF-style: chr12-58144781-T-C.
Other names: c.447A>G (LRG_490t1).
Identifiers: ClinVar variation 184152 (VCV000184152.36), dbSNP rs2069501, ClinGen allele CA187995.

ClinVar aggregate classification (germline): Benign. Review status: criteria provided, multiple submitters, no conflicts (2 of 4 stars). 12 submissions from 12 submitters: Benign (11). 1 of the submissions does not count toward it. Last evaluated 2026-02-04.

Conditions:
Hereditary cancer-predisposing syndrome. Also called: Tumor predisposition; Hereditary Cancer Syndrome; Hereditary neoplastic syndrome; Neoplastic Syndromes, Hereditary. Identifiers: Orphanet 140162, MedGen C0027672, MeSH D009386, MONDO:0015356.
Familial melanoma. Also called: Hereditary melanoma; Hereditary cutaneous melanoma. Identifiers: Orphanet 618, MedGen C1512419, MONDO:0018961.
Melanoma, cutaneous malignant, susceptibility to, 3. Also called: Cutaneous malignant melanoma 3. Identifiers: Orphanet 618, MedGen C1836892, MONDO:0012183, OMIM 609048.

Allele frequency attached by ClinVar (database versions not stated): gnomAD exomes 0.00064 and 0.00189; ExAC 0.00231; gnomAD 0.00639 and 0.00690; TOPMed 0.00729; 1000 Genomes Project 30x 0.00750; 1000 Genomes Project 0.00759; ESP Exome Variant Server 0.00777.
gnomAD v4.1: 1,949 of 1,614,128 alleles (0.12%); highest among the groups gnomAD compares: African/African-American, 2.2%; 30 homozygotes.

Submissions (12):

Labcorp Genetics (formerly Invitae), Labcorp
Classification: Benign for Familial melanoma. Last evaluated: 2026-02-04. Review status: criteria provided, single submitter. Criteria: Invitae Variant Classification Sherloc (09022015). Collection method: clinical testing. Allele origin: germline.

Quest Diagnostics Nichols Institute San Juan Capistrano
Classification: Benign. Last evaluated: 2025-05-19. Review status: criteria provided, single submitter. Criteria: Quest Diagnostics criteria. Collection method: clinical testing. Allele origin: unknown.

Center for Genomic Medicine, Rigshospitalet, Copenhagen University Hospital
Classification: Benign. Last evaluated: 2025-03-04. Review status: criteria provided, single submitter. Criteria: ACMG Guidelines, 2015. Collection method: clinical testing. Allele origin: germline.

KCCC/NGS Laboratory, Kuwait Cancer Control Center
Classification: Benign for Melanoma, cutaneous malignant, susceptibility to, 3. Last evaluated: 2023-07-07. Review status: criteria provided, single submitter. Criteria: ACMG Guidelines, 2015. Collection method: clinical testing. Allele origin: germline. Affected: yes.

Myriad Genetics, Inc.
Classification: Benign for Melanoma, cutaneous malignant, susceptibility to, 3. Last evaluated: 2023-03-07. Review status: criteria provided, single submitter. Criteria: Myriad Autosomal Dominant, Autosomal Recessive and X-Linked Classification Criteria (2023). Collection method: clinical testing. Allele origin: unknown.
Comment: This variant is considered benign. This variant is a silent/synonymous amino acid change and it is not expected to impact splicing.

Genetic Services Laboratory, University of Chicago
Classification: Benign. Last evaluated: 2021-04-02. Review status: criteria provided, single submitter. Criteria: ACMG Guidelines, 2015. Collection method: clinical testing. Allele origin: germline. Affected: no.

Women's Health and Genetics/Laboratory Corporation of America, LabCorp
Classification: Benign. Last evaluated: 2016-01-25. Review status: criteria provided, single submitter. Criteria: LabCorp Variant Classification Summary - May 2015. Collection method: clinical testing. Allele origin: germline.
Comment: Variant summary: The c.447A>G in CDK4 gene is a synonymous change that involves a non-conserved nucleotide. 5/5 programs in Alamut predict that this variant does not affect normal splicing, however no functional studies supporting this notion were published at the time of evaluation. The variant is present in the control population dataset of ExAC at an overall frequency of 0.23%, being most prevalent in individuals of African descent (2.5%), including several homozygotes. The observed frequency exceeds the maximum expected allele frequency for a pathogenic CDK4 variant of 0.002%, suggesting that it is a common polymorphism. The variant has been reported as Benign by reputable database/clinical laboratory without providing evidence to independently evaluate. Taken together, this variant has been classified as Benign.

GeneDx
Classification: Benign. Last evaluated: 2015-03-03. Review status: criteria provided, single submitter. Criteria: GeneDx Variant Classification Process June 2021. Collection method: clinical testing. Allele origin: germline. Affected: yes.

Ambry Genetics
Classification: Benign for Hereditary cancer-predisposing syndrome. Last evaluated: 2015-01-07. Review status: criteria provided, single submitter. Criteria: Ambry Variant Classification Scheme 2023. Collection method: clinical testing. Allele origin: germline.

Breakthrough Genomics
Classification: Benign. Review status: criteria provided, single submitter. Criteria: ACMG Guidelines, 2015. Collection method: not provided. Allele origin: germline. Inheritance: Autosomal dominant inheritance. Affected: yes.

PreventionGenetics, part of Exact Sciences
Classification: Benign. Review status: criteria provided, single submitter. Criteria: ACMG Guidelines, 2015. Collection method: clinical testing. Allele origin: germline.

Counsyl
Classification: Benign for Melanoma, cutaneous malignant, susceptibility to, 3. Last evaluated: 2016-06-13. Review status: no assertion criteria provided. Collection method: clinical testing. Allele origin: unknown. Not counted in ClinVar's aggregate classification.